The following is an entry in ClinVar:

NM_001374828.1(ARID1B):c.352TCC[8] (p.Ser124_Ala125insSer)

Genes: ARID1B (AT-rich interaction domain 1B; plus strand), LOC115308161 (uncharacterized LOC115308161; minus strand). Cytogenetic location: 6q25.3.
Variant type: Microsatellite.
Coding change: c.352TCC[8] on transcript NM_001374828.1 (MANE Select); eight copies in a row of the 3-base unit TCC starting at c.352; the reference has seven copies in a row; one copy, 3 bases duplicated.
Protein change: p.Ser124_Ala125insSer.
Molecular consequence: inframe insertion.
Genome position (GRCh38, 1-based): chr6:156,778,050-156,778,052, TCC duplicated; duplicating any 3 consecutive bases within chr6:156,778,032-156,778,052 gives the same sequence; the position shown is the placement nearest the transcript's 3' end. VCF-style (leftmost placement, unchanged base first): chr6-156778031-G-GTCC. GRCh37 (hg19) VCF-style: chr6-157099165-G-GTCC.
Other names: c.121_123dup (NM_020732.3); c.352TCC[8], p.Ser124_Ala125insSer (NM_001371656.1, NM_001374820.1, NM_017519.3).
Identifiers: ClinVar variation 588042 (VCV000588042.22), dbSNP rs770512547, ClinGen allele CA4066607.

ClinVar aggregate classification (germline): Benign/Likely benign. Review status: criteria provided, multiple submitters, no conflicts (2 of 4 stars). 6 submissions from 6 submitters: Benign (4); Likely benign (1). 1 of the submissions does not count toward it. Last evaluated 2025-12-10.

Conditions:
Inborn genetic diseases. Identifiers: MedGen C0950123, MeSH D030342.
ARID1B-Related Disorder. Identifiers: MedGen CN381337.

Submissions (6):

Labcorp Genetics (formerly Invitae), Labcorp
Classification: Benign. Last evaluated: 2025-12-10. Review status: criteria provided, single submitter. Criteria: Invitae Variant Classification Sherloc (09022015). Collection method: clinical testing. Allele origin: germline.

Blueprint Genetics
Classification: Likely benign. Last evaluated: 2024-11-25. Review status: criteria provided, single submitter. Criteria: ACMG Guidelines, 2015. Collection method: clinical testing. Allele origin: germline.

Ambry Genetics
Classification: Benign for Inborn genetic diseases. Last evaluated: 2022-08-30. Review status: criteria provided, single submitter. Criteria: Ambry Variant Classification Scheme 2023. Collection method: clinical testing. Allele origin: germline.

GeneDx
Classification: Benign. Last evaluated: 2020-05-13. Review status: criteria provided, single submitter. Criteria: GeneDx Variant Classification Process June 2021. Collection method: clinical testing. Allele origin: germline. Affected: yes.

Genetic Services Laboratory, University of Chicago
Classification: Benign. Last evaluated: 2017-09-25. Review status: criteria provided, single submitter. Criteria: ACMG Guidelines, 2015. Collection method: clinical testing. Allele origin: germline. Affected: no.

PreventionGenetics, part of Exact Sciences
Classification: Likely benign for ARID1B-related condition. Last evaluated: 2019-11-27. Review status: no assertion criteria provided. Collection method: clinical testing. Allele origin: germline. Not counted in ClinVar's aggregate classification.
Comment: This variant is classified as likely benign based on ACMG/AMP sequence variant interpretation guidelines (Richards et al. 2015 PMID: 25741868, with internal and published modifications).